The following is an entry in ClinVar:

ClinVar aggregate classification (germline): Uncertain significance (1 of 4 stars; one submission).

Allele frequency attached by ClinVar (database versions not stated): gnomAD exomes below 0.00001.
gnomAD v4.1: 1 of 1,552,082 alleles (0.000064%); highest among the groups gnomAD compares: Non-Finnish European, 0.000087%; no homozygotes.

Submission:

Labcorp Genetics (formerly Invitae), Labcorp
Classification: Uncertain significance. Last evaluated: 2022-07-21. Review status: criteria provided, single submitter. Criteria: Invitae Variant Classification Sherloc (09022015). Collection method: clinical testing. Allele origin: germline.
Comment: This sequence change replaces arginine, which is basic and polar, with lysine, which is basic and polar, at codon 1802 of the UNC80 protein (p.Arg1802Lys). This variant is not present in population databases (gnomAD no frequency). This variant has not been reported in the literature in individuals affected with UNC80-related conditions. Algorithms developed to predict the effect of missense changes on protein structure and function are either unavailable or do not agree on the potential impact of this missense change (SIFT: "Not Available"; PolyPhen-2: "Probably Damaging"; Align-GVGD: "Not Available"). In summary, the available evidence is currently insufficient to determine the role of this variant in disease. Therefore, it has been classified as a Variant of Uncertain Significance.

NM_001371986.1(UNC80):c.5603G>A (p.Arg1868Lys)

Gene: UNC80 (unc-80 homolog, NALCN channel complex subunit; plus strand). Cytogenetic location: 2q34.
Variant type: single nucleotide variant.
Coding change: c.5603G>A on transcript NM_001371986.1 (MANE Select); coding-DNA position 5603, G replaced by A.
Protein change: p.Arg1868Lys; replaces arginine 1868 with lysine.
Molecular consequence: missense variant.
Genome position (GRCh38, 1-based): chr2:209,922,324, G>A. VCF-style: chr2-209922324-G-A. GRCh37 (hg19) VCF-style: chr2-210787048-G-A.
Other names: c.5405G>A, p.Arg1802Lys (NM_032504.2); c.5390G>A, p.Arg1797Lys (NM_182587.4); short protein forms R1797K, R1868K, R1802K.
Identifiers: ClinVar variation 2166149 (VCV002166149.1), dbSNP rs2471134396, ClinGen allele CA350762721.